The following is an entry in ClinVar:

NM_000321.3(RB1):c.309C>G (p.Ile103Met)

Gene: RB1 (RB transcriptional corepressor 1; plus strand). Cytogenetic location: 13q14.2.
Variant type: single nucleotide variant.
Coding change: c.309C>G on transcript NM_000321.3 (MANE Select); coding-DNA position 309, C replaced by G.
Protein change: p.Ile103Met; replaces isoleucine 103 with methionine.
Molecular consequence: missense variant.
Genome position (GRCh38, 1-based): chr13:48,342,643, C>G. VCF-style: chr13-48342643-C-G. GRCh37 (hg19) VCF-style: chr13-48916779-C-G.
Other names: c.309C>G, p.Ile103Met (NM_001407165.1, NM_001407166.1); short protein forms I103M.
Identifiers: ClinVar variation 4741724 (VCV004741724.1).

ClinVar aggregate classification (germline): Uncertain significance (1 of 4 stars; one submission).

Conditions:
Retinoblastoma (RB1). Also called: RETINOBLASTOMA, SOMATIC. Identifiers: Orphanet 790, MedGen C0035335, MeSH D012175, MONDO:0008380, OMIM 180200, HP:0009919. Disease mechanism: loss of function. Inheritance: Both sporadic and heritable forms are tested..

Submission:

Labcorp Genetics (formerly Invitae), Labcorp
Classification: Uncertain significance for Retinoblastoma. Last evaluated: 2025-02-05. Review status: criteria provided, single submitter. Criteria: Invitae Variant Classification Sherloc (09022015). Collection method: clinical testing. Allele origin: germline.
Comment: This sequence change replaces isoleucine, which is neutral and non-polar, with methionine, which is neutral and non-polar, at codon 103 of the RB1 protein (p.Ile103Met). This variant is not present in population databases (gnomAD no frequency). This variant has not been reported in the literature in individuals affected with RB1-related conditions. Invitae Evidence Modeling of protein sequence and biophysical properties (such as structural, functional, and spatial information, amino acid conservation, physicochemical variation, residue mobility, and thermodynamic stability) indicates that this missense variant is not expected to disrupt RB1 protein function with a negative predictive value of 80%. In summary, the available evidence is currently insufficient to determine the role of this variant in disease. Therefore, it has been classified as a Variant of Uncertain Significance.